The following is an entry in ClinVar:

ClinVar aggregate classification (germline): Uncertain significance (1 of 4 stars; one submission).

Conditions:
Gastrointestinal stromal tumor. Also called: Gastrointestinal stromal tumor, somatic; Gastrointestinal stroma tumor. Identifiers: Orphanet 44890, MedGen C0238198, MeSH D046152, MONDO:0011719, OMIM 606764, HP:0100723.

Submission:

Labcorp Genetics (formerly Invitae), Labcorp
Classification: Uncertain significance for Gastrointestinal stromal tumor. Last evaluated: 2025-01-21. Review status: criteria provided, single submitter. Criteria: Invitae Variant Classification Sherloc (09022015). Collection method: clinical testing. Allele origin: germline.
Comment: This sequence change replaces aspartic acid, which is acidic and polar, with asparagine, which is neutral and polar, at codon 135 of the PDGFRA protein (p.Asp135Asn). This variant is not present in population databases (gnomAD no frequency). This variant has not been reported in the literature in individuals affected with PDGFRA-related conditions. Invitae Evidence Modeling of protein sequence and biophysical properties (such as structural, functional, and spatial information, amino acid conservation, physicochemical variation, residue mobility, and thermodynamic stability) indicates that this missense variant is not expected to disrupt PDGFRA protein function with a negative predictive value of 80%. In summary, the available evidence is currently insufficient to determine the role of this variant in disease. Therefore, it has been classified as a Variant of Uncertain Significance.

NM_006206.6(PDGFRA):c.403G>A (p.Asp135Asn)

Gene: PDGFRA (platelet derived growth factor receptor alpha; plus strand). Cytogenetic location: 4q12.
Variant type: single nucleotide variant.
Coding change: c.403G>A on transcript NM_006206.6 (MANE Select); coding-DNA position 403, G replaced by A.
Protein change: p.Asp135Asn; replaces aspartic acid 135 with asparagine.
Molecular consequence: missense variant.
Genome position (GRCh38, 1-based): chr4:54,263,702, G>A. VCF-style: chr4-54263702-G-A. GRCh37 (hg19) VCF-style: chr4-55129869-G-A.
Other names: c.403G>A, p.Asp135Asn (NM_001347827.2, NM_001347829.2); c.478G>A, p.Asp160Asn (NM_001347828.2); c.442G>A, p.Asp148Asn (NM_001347830.2); short protein forms D148N, D135N, D160N.
Identifiers: ClinVar variation 3641112 (VCV003641112.2).